The following is an entry in ClinVar:

ClinVar aggregate classification (germline): Conflicting classifications of pathogenicity. Review status: criteria provided, conflicting classifications (1 of 4 stars). 4 submissions from 4 submitters: Uncertain significance (2); Benign (1); Likely benign (1). Last evaluated 2025-09-22.

Conditions:
Nemaline myopathy 6 (NEM6). Also called: Nemaline myopathy 6, autosomal dominant. Identifiers: Orphanet 171439, MedGen C1836472, MONDO:0012237, OMIM 609273.
Inborn genetic diseases. Identifiers: MedGen C0950123, MeSH D030342.

Allele frequency attached by ClinVar (database versions not stated): gnomAD 0.00003; gnomAD exomes 0.00003 and 0.00019; TOPMed 0.00002.
gnomAD v4.1: 258 of 1,503,892 alleles (0.017%); highest among the groups gnomAD compares: Non-Finnish European, 0.022%; no homozygotes.

Submissions (4):

Labcorp Genetics (formerly Invitae), Labcorp
Classification: Benign for Nemaline myopathy 6. Last evaluated: 2025-09-22. Review status: criteria provided, single submitter. Criteria: Invitae Variant Classification Sherloc (09022015). Collection method: clinical testing. Allele origin: germline.

Mayo Clinic Laboratories, Mayo Clinic
Classification: Likely benign. Last evaluated: 2025-02-11. Review status: criteria provided, single submitter. Criteria: ACMG Guidelines, 2015. Collection method: clinical testing. Allele origin: germline. Observed: 1 variant allele.
Comment: BS1, BP4

Ambry Genetics
Classification: Uncertain significance for Inborn genetic diseases. Last evaluated: 2023-04-25. Review status: criteria provided, single submitter. Criteria: Ambry Variant Classification Scheme 2023. Collection method: clinical testing. Allele origin: germline.

Women's Health and Genetics/Laboratory Corporation of America, LabCorp
Classification: Uncertain significance. Last evaluated: 2020-12-18. Review status: criteria provided, single submitter. Criteria: LabCorp Variant Classification Summary - May 2015. Collection method: clinical testing. Allele origin: germline.
Comment: Variant summary: KBTBD13 c.230A>G (p.Glu77Gly) results in a non-conservative amino acid change located in the BTB/POZ domain (IPR000210) of the encoded protein sequence. Three of five in-silico tools predict a benign effect of the variant on protein function. The variant allele was found at a frequency of 2.8e-05 in 108354 control chromosomes. The available data on variant occurrences in the general population are insufficient to allow any conclusion about variant significance. To our knowledge, no occurrence of c.230A>G in individuals affected with Nemaline Myopathy 6 and no experimental evidence demonstrating its impact on protein function have been reported. No clinical diagnostic laboratories have submitted clinical-significance assessments for this variant to ClinVar after 2014. Based on the evidence outlined above, the variant was classified as uncertain significance.

NM_001101362.3(KBTBD13):c.230A>G (p.Glu77Gly)

Gene: KBTBD13 (kelch repeat and BTB domain containing 13; plus strand). Cytogenetic location: 15q22.31.
Variant type: single nucleotide variant.
Coding change: c.230A>G on transcript NM_001101362.3 (MANE Select); coding-DNA position 230, A replaced by G.
Protein change: p.Glu77Gly; replaces glutamic acid 77 with glycine.
Molecular consequence: missense variant.
Genome position (GRCh38, 1-based): chr15:65,077,045, A>G. VCF-style: chr15-65077045-A-G. GRCh37 (hg19) VCF-style: chr15-65369383-A-G.
Other names: p.Glu77Gly; short protein forms E77G.
Identifiers: ClinVar variation 992265 (VCV000992265.7), dbSNP rs1384295949, ClinGen allele CA392858942.